The following continues an entry in ClinVar:

NM_001126108.2(SLC12A3):c.1315G>A (p.Gly439Ser)

Gene: SLC12A3. ClinVar aggregate classification (germline): Pathogenic. Pathogenic (19).

Submissions 12 to 22 of 22:

Ambry Genetics
Classification: Pathogenic for Inborn genetic diseases. Last evaluated: 2022-06-21. Review status: criteria provided, single submitter. Criteria: Ambry Variant Classification Scheme 2023. Collection method: clinical testing. Allele origin: germline.
Comment: The c.1315G>A (p.G439S) alteration is located in exon 10 (coding exon 10) of the SLC12A3 gene. This alteration results from a G to A substitution at nucleotide position 1315, causing the glycine (G) at amino acid position 439 to be replaced by a serine (S). Based on data from gnomAD, the A allele has an overall frequency of 0.02% (44/282204) total alleles studied. The highest observed frequency was 0.03% (38/128698) of European (non-Finnish) alleles. This alteration has been detected in the homozygous state and as compound heterozygous in trans with other pathogenic SLC12A3 variants in multiple, unrelated individuals diagnosed with Gitelman syndrome (Mastroianni, 1996; Melander 2000; Urbanova, 2006; Tajima, 2006; Fava, 2007; Ji, 2008; Favre, 2012; Berry, 2013; Brambilla, 2013; Bouchireb, 2014; Bech, 2016; Zeng, 2019; Roser, 2020). This amino acid position is highly conserved in available vertebrate species. In vitro studies have shown that p.G439S results in the loss of function of the SLC12A3 protein (De Jong, 2002). This alteration is predicted to be deleterious by in silico analysis. Based on the available evidence, this alteration is classified as pathogenic.

European Hospital Georges Pompidou Genetics Department, Assistance Publique - Hôpitaux de Paris AP-HP
Classification: Pathogenic for Familial hypokalemia-hypomagnesemia. Last evaluated: 2022-04-27. Review status: criteria provided, single submitter. Criteria: ACMG Guidelines, 2015. Collection method: clinical testing. Allele origin: germline. Affected: yes.
Comment: ACMG criteria used:PM1 PM2 PM3 PP3 PP5

Genome-Nilou Lab
Classification: Pathogenic for Familial hypokalemia-hypomagnesemia. Last evaluated: 2021-07-15. Review status: criteria provided, single submitter. Criteria: ACMG Guidelines, 2015. Collection method: clinical testing. Allele origin: germline. Affected: no.

Molecular Biology Laboratory, Fundació Puigvert
Classification: Pathogenic for Familial hypokalemia-hypomagnesemia. Last evaluated: 2020-02-01. Review status: criteria provided, single submitter. Criteria: ACMG Guidelines, 2015. Collection method: research. Allele origin: germline. Affected: yes. Study: KidneyPanel_2020.

Illumina Laboratory Services, Illumina
Classification: Pathogenic for Familial hypokalemia-hypomagnesemia. Last evaluated: 2019-01-11. Review status: criteria provided, single submitter. Criteria: ICSL Variant Classification Criteria 09 May 2019. Collection method: clinical testing. Allele origin: germline.
Comment: Across a selection of the available literature, the SLC12A3 c.1315G>A (p.Gly439Ser) missense variant was found in a total of 15 individuals affected with Gitelman syndrome (GS). The p.Gly439Ser variant was found in a homozygous state in two individuals (one of whom was also homozygous for a second variant), in a compound heterozygous state in 12 individuals (including two siblings), and in a heterozygous state in one individual in whom a second variant was not identified (Mastroianni et al. 1996; Melander et al. 2000; Urbanovâ”œÃ­ et al. 2006; Tajima et al 2006; Favre et al. 2012; Berry et al. 2013; Brambilla et al. 2013; Bouchireb et al. 2014). The variant was found in a heterozygous state in one of 844 control chromosomes and is reported at a frequency of 0.0004 in the non-Finnish European population of the Exome Aggregation Consortium. De Jong et al. (2002) demonstrated that Xenopus oocytes expressing the p.Gly439Ser variant showed no significant sodium uptake and exhibited significant cellular mislocalization of the protein. Based on the collective evidence, the p.Gly439Ser variant is classified as pathogenic for Gitelman syndrome. This variant was observed by ICSL as part of a predisposition screen in an ostensibly healthy population.

Fulgent Genetics
Classification: Pathogenic for Familial hypokalemia-hypomagnesemia. Last evaluated: 2018-10-31. Review status: criteria provided, single submitter. Criteria: ACMG Guidelines, 2015. Collection method: clinical testing. Allele origin: unknown.

Athena Diagnostics
Classification: Pathogenic. Last evaluated: 2018-06-22. Review status: criteria provided, single submitter. Criteria: Athena Diagnostics Criteria. Collection method: clinical testing. Allele origin: germline.

Molecular Diagnostics Laboratory, M Health Fairview: University of Minnesota
Classification: Pathogenic for Familial hypokalemia-hypomagnesemia. Last evaluated: 2018-05-23. Review status: criteria provided, single submitter. Criteria: ACMG Guidelines, 2015. Collection method: clinical testing. Allele origin: germline. Affected: yes. Observed: 1 variant allele.

Sydney Genome Diagnostics, Children's Hospital Westmead
Classification: Pathogenic for Familial hypokalemia-hypomagnesemia; Bartter syndrome. Last evaluated: 2019-08-27. Review status: no assertion criteria provided. Collection method: clinical testing. Allele origin: unknown. Affected: yes. Observed: 1 variant allele, 1 heterozygote. Not counted in ClinVar's aggregate classification.
Comment: This variant has been reported in the gnomAD browser with a very low allele frequency of 0.015% (42 out of 276,658 alleles). This variant has been previously described in multiple individuals with Gitelman syndrome, in either a homozygous or compound heterozygous state (Bouchireb et al 2014 BMC Pediatrics 14: 201; Vargas-Poussou et al 2011 J Am Soc Nephrol 22: 693-703). In addition, functional studies, using Xenopus oocytes harbouring the p.(Gly439Ser) variant, showed a loss of sodium ion uptake and exhibited significant cellular mis-localisation of the protein (De Jong et al 2002 J Am Soc Nephrol 13: 1442-1448). This variant is considered to be pathogenic according to the ACMG guidelines. (Evidence used: PS3, PM2, PM3_strong).

Genome Diagnostics Laboratory, University Medical Center Utrecht
Classification: Pathogenic. Review status: no assertion criteria provided. Collection method: clinical testing. Allele origin: germline. Affected: yes. Study: VKGL Data-share Consensus. Not counted in ClinVar's aggregate classification.

Joint Genome Diagnostic Labs from Nijmegen and Maastricht, Radboudumc and MUMC+
Classification: Pathogenic. Review status: no assertion criteria provided. Collection method: clinical testing. Allele origin: germline. Affected: yes. Study: VKGL Data-share Consensus. Not counted in ClinVar's aggregate classification.

Literature cited by the submitters: PubMed 8900229 (cited by 5 submitters); PubMed 17654016 (cited by 4 submitters); PubMed 23475471 (cited by 4 submitters); PubMed 25112827 (cited by 4 submitters); PubMed 12039972 (cited by 5 submitters); PubMed 33532864 (cited by Natera, Inc. and Molecular Biology Laboratory, Fundació Puigvert); PubMed 32542819 (cited by Natera, Inc.); PubMed 29398133 (cited by Natera, Inc.); PubMed 16343108 (cited by Women's Health and Genetics/Laboratory Corporation of America, LabCorp); PubMed 10988270 (cited by 4 submitters); PubMed 17159356 (cited by 4 submitters); PubMed 18391953 (cited by Ambry Genetics and Athena Diagnostics); PubMed 19349556 (cited by Ambry Genetics and Athena Diagnostics); PubMed 22241817 (cited by Ambry Genetics and Illumina Laboratory Services, Illumina); PubMed 23328711 (cited by 3 submitters); PubMed 24790334 (cited by Ambry Genetics and Illumina Laboratory Services, Illumina); PubMed 26830254 (cited by Ambry Genetics and Athena Diagnostics); PubMed 31398183 (cited by Ambry Genetics); PubMed 26121437 (cited by Athena Diagnostics); PubMed 22009145 (cited by Athena Diagnostics); PubMed 19451210 (cited by Athena Diagnostics); PubMed 15102966 (cited by Athena Diagnostics); PubMed 8812482 (cited by Molecular Diagnostics Laboratory, M Health Fairview: University of Minnesota).